The following is an entry in ClinVar:

NM_004281.4(BAG3):c.607dup (p.Arg203fs)

Gene: BAG3 (BAG cochaperone 3; plus strand). Cytogenetic location: 10q26.11.
Variant type: Duplication.
Coding change: c.607dup on transcript NM_004281.4 (MANE Select); coding-DNA position 607, one base duplicated (C; older notation c.607dupC).
Protein change: p.Arg203fs; shifts the reading frame from arginine 203.
Molecular consequence: frameshift variant.
Genome position (GRCh38, 1-based): chr10:119,672,354, C duplicated. VCF-style (leftmost placement, unchanged base first): chr10-119672353-G-GC. GRCh37 (hg19) VCF-style: chr10-121431865-G-GC.
Other names: c.607dupC (NM_004281.3); short protein forms R203fs.
Identifiers: ClinVar variation 410229 (VCV000410229.10), dbSNP rs1554877224, ClinGen allele CA16612935.

ClinVar aggregate classification (germline): Pathogenic. Review status: criteria provided, multiple submitters, no conflicts (2 of 4 stars). 3 submissions from 2 submitters: Pathogenic (3). Last evaluated 2023-01-29.

Conditions:
Cardiovascular phenotype. Identifiers: MedGen CN230736.
Dilated cardiomyopathy 1HH (CMD1HH). Identifiers: Orphanet 154, MedGen C3151293, MONDO:0013479, OMIM 613881.
Myofibrillar myopathy 6. Identifiers: Orphanet 199340, MedGen C2751831, MONDO:0013061, OMIM 612954.

Submissions (3):

Labcorp Genetics (formerly Invitae), Labcorp
Classification: Pathogenic for Dilated cardiomyopathy 1HH; Myofibrillar myopathy 6. Last evaluated: 2023-01-29. Review status: criteria provided, single submitter. Criteria: Invitae Variant Classification Sherloc (09022015). Collection method: clinical testing. Allele origin: germline.
Comment: For these reasons, this variant has been classified as Pathogenic. ClinVar contains an entry for this variant (Variation ID: 410229). This variant has not been reported in the literature in individuals affected with BAG3-related conditions. This variant is not present in population databases (gnomAD no frequency). This sequence change creates a premature translational stop signal (p.Arg203Profs*52) in the BAG3 gene. It is expected to result in an absent or disrupted protein product. Loss-of-function variants in BAG3 are known to be pathogenic (PMID: 21353195, 25008357).

Ambry Genetics
Classification: Pathogenic for Cardiovascular phenotype. Last evaluated: 2021-04-23. Review status: criteria provided, single submitter. Criteria: Ambry Variant Classification Scheme 2023. Collection method: clinical testing. Allele origin: germline.
Comment: The c.607dupC variant, located in coding exon 3 of the BAG3 gene, results from a duplication of C at nucleotide position 607, causing a translational frameshift with a predicted alternate stop codon (p.R203Pfs*52). This alteration has not been previously reported; however, loss of function alterations have been reported in numerous cases of familial dilated cardiomyopathy, including many families with strong segregation with disease (Norton N et al. Am J Hum Genet. 2011;88(3):273-82; Villard E et al. Eur Heart J. 2011;32(9):1065-76; Chami N et al. Can J Cardiol. 2014;30(12):1655-61; Feldman AM et al. J Cell Physiol. 2014;229(11):1697-702; Franaszczyk M et al. J Transl Med. 2014;12:192; van Spaendonck-Zwarts KY et al. Eur Heart J. 2014;35(32):2165-73). In addition, in Norton et al. 2011, BAG3 knockdown in a zebrafish model showed heart failure with decreased fractional shortening and pericardial effusion. This alteration is expected to result in loss of function by premature protein truncation or nonsense-mediated mRNA decay. As such, this alteration is interpreted as a disease-causing mutation.

Labcorp Genetics (formerly Invitae), Labcorp
Classification: Pathogenic for Dilated cardiomyopathy 1HH. Last evaluated: 2016-07-25. Review status: criteria provided, single submitter. Criteria: Invitae Variant Classification Sherloc (09022015). Collection method: clinical testing. Allele origin: germline.
Comment: This sequence change inserts 1 nucleotide in exon 3 of the BAG3 mRNA (c.607dupC), causing a frameshift at codon 203. This creates a premature translational stop signal (p.Arg203Profs*52) and is expected to result in an absent or disrupted protein product. While this particular variant has not been reported in the literature, loss-of-function variants in BAG3 are known to be pathogenic (PMID: 21353195, 25008357). For these reasons, this variant has been classified as Pathogenic.

Literature cited by the submitters: PubMed 21353195 (cited by Labcorp Genetics (formerly Invitae), Labcorp); PubMed 25008357 (cited by Labcorp Genetics (formerly Invitae), Labcorp).